The following is an entry in ClinVar:

ClinVar aggregate classification (germline): Uncertain significance. Review status: criteria provided, multiple submitters, no conflicts (2 of 4 stars). 3 submissions from 3 submitters: Uncertain significance (3). Last evaluated 2024-12-13.

Conditions:
PDE6C-related disorder. Also called: PDE6C-related condition.

Allele frequency attached by ClinVar (database versions not stated): gnomAD 0.00001 and 0.00002; TOPMed 0.00001; ExAC 0.00002; gnomAD exomes 0.00002.
gnomAD v4.1: 104 of 1,613,530 alleles (0.0064%); highest among the groups gnomAD compares: Non-Finnish European, 0.0083%; no homozygotes.

Submissions (3):

PreventionGenetics, part of Exact Sciences
Classification: Uncertain significance for PDE6C-related condition. Last evaluated: 2024-12-13. Review status: criteria provided, single submitter. Criteria: ACMG Guidelines, 2015. Collection method: clinical testing. Allele origin: germline.
Comment: The PDE6C c.1599T>G variant is predicted to result in the amino acid substitution p.Asn533Lys. To our knowledge, this variant has not been reported in the literature. This variant is reported in 0.0040% of alleles in individuals of African descent in gnomAD. At this time, the clinical significance of this variant is uncertain due to the absence of conclusive functional and genetic evidence.

Blueprint Genetics
Classification: Uncertain significance. Last evaluated: 2023-12-20. Review status: criteria provided, single submitter. Criteria: ACMG Guidelines, 2015. Collection method: clinical testing. Allele origin: germline.

Labcorp Genetics (formerly Invitae), Labcorp
Classification: Uncertain significance. Last evaluated: 2020-02-07. Review status: criteria provided, single submitter. Criteria: Invitae Variant Classification Sherloc (09022015). Collection method: clinical testing. Allele origin: germline.
Comment: Algorithms developed to predict the effect of missense changes on protein structure and function output the following: SIFT: "Tolerated"; PolyPhen-2: "Benign"; Align-GVGD: "Class C15". The lysine amino acid residue is found in multiple mammalian species, suggesting that this missense change does not adversely affect protein function. These predictions have not been confirmed by published functional studies and their clinical significance is uncertain. Algorithms developed to predict the effect of sequence changes on RNA splicing suggest that this variant may create or strengthen a splice site, but this prediction has not been confirmed by published transcriptional studies. In summary, the available evidence is currently insufficient to determine the role of this variant in disease. Therefore, it has been classified as a Variant of Uncertain Significance. This variant has not been reported in the literature in individuals with PDE6C-related conditions. This variant is present in population databases (rs750797323, ExAC 0.006%). This sequence change replaces asparagine with lysine at codon 533 of the PDE6C protein (p.Asn533Lys). The asparagine residue is highly conserved and there is a moderate physicochemical difference between asparagine and lysine.

NM_006204.4(PDE6C):c.1599T>G (p.Asn533Lys)

Gene: PDE6C (phosphodiesterase 6C; plus strand). Cytogenetic location: 10q23.33.
Variant type: single nucleotide variant.
Coding change: c.1599T>G on transcript NM_006204.4 (MANE Select); coding-DNA position 1599, T replaced by G.
Protein change: p.Asn533Lys; replaces asparagine 533 with lysine.
Molecular consequence: missense variant.
Genome position (GRCh38, 1-based): chr10:93,640,186, T>G. VCF-style: chr10-93640186-T-G. GRCh37 (hg19) VCF-style: chr10-95399943-T-G.
Other names: c.1599T>G (NM_006204.3); short protein forms N533K.
Identifiers: ClinVar variation 1013898 (VCV001013898.11), dbSNP rs750797323, ClinGen allele CA5610237.